The following is an entry in ClinVar:

NM_004006.3(DMD):c.9238_9241del (p.Thr3080fs)

Gene: DMD (dystrophin; minus strand). Cytogenetic location: Xp21.2.
Variant type: Deletion.
Coding change: c.9238_9241del on transcript NM_004006.3 (MANE Select); coding-DNA positions 9238 to 9241, 4 bases deleted (ACAA; older notation c.9238_9241delACAA).
Protein change: p.Thr3080fs; shifts the reading frame from threonine 3080.
Molecular consequence: frameshift variant.
Genome position (GRCh38, 1-based): chrX:31,261,000-31,261,003, TTGT deleted on the plus strand (ACAA on the coding strand, the reverse complement: DMD is on the minus strand); deleting any 4 consecutive bases within chrX:31,261,000-31,261,006 gives the same sequence; the c. name uses the placement nearest the transcript's 3' end. VCF-style (leftmost placement, unchanged base first): chrX-31260999-GTTGT-G. GRCh37 (hg19) VCF-style: chrX-31279116-GTTGT-G.
Other names: c.9238_9241delACAA (NM_004006.2); c.9214_9217del, p.Thr3072fs (NM_000109.4); c.9226_9229del, p.Thr3076fs (NM_004009.3); c.8869_8872del, p.Thr2957fs (NM_004010.3); c.5215_5218del, p.Thr1739fs (NM_004011.4); c.5206_5209del, p.Thr1736fs (NM_004012.4); c.1858_1861del, p.Thr620fs (NM_004013.3, NM_004020.4, NM_004021.3 and 2 more transcripts); c.1051_1054del, p.Thr351fs (NM_004014.3); and 1 more; short protein forms T3076fs, T3080fs, T620fs, T1739fs, T2957fs, T3072fs, T12fs, T1736fs.
Identifiers: ClinVar variation 409893 (VCV000409893.8), dbSNP rs1060502624, ClinGen allele CA16616482.

ClinVar aggregate classification (germline): Pathogenic. Review status: criteria provided, multiple submitters, no conflicts (2 of 4 stars). 2 submissions from 2 submitters: Pathogenic (2). Last evaluated 2024-09-24.

Conditions:
DMD-related disorder. Also called: DMD-related condition.
Duchenne muscular dystrophy (DMD). Also called: Duchenne Muscular Dystrophy (DMD); MUSCULAR DYSTROPHY, PSEUDOHYPERTROPHIC PROGRESSIVE, DUCHENNE TYPE. Identifiers: Orphanet 98896, MedGen C0013264, MONDO:0010679, OMIM 310200.

Submissions (2):

Blueprint Genetics
Classification: Pathogenic for DMD-related disorders. Last evaluated: 2024-09-24. Review status: criteria provided, single submitter. Criteria: ACMG Guidelines, 2015. Collection method: clinical testing. Allele origin: germline. Affected: yes. Observed: 1 variant allele.

Labcorp Genetics (formerly Invitae), Labcorp
Classification: Pathogenic for Duchenne muscular dystrophy. Last evaluated: 2016-05-23. Review status: criteria provided, single submitter. Criteria: Invitae Variant Classification Sherloc (09022015). Collection method: clinical testing. Allele origin: germline.
Comment: This sequence change deletes 4 nucleotides from exon 63 of the DMD mRNA (c.9238_9241delACAA), causing a frameshift at codon 3080. This creates a premature translational stop signal (p.Thr3080Leufs*8) and is expected to result in an absent or disrupted protein product. For these reasons, this variant has been classified as Pathogenic. While this particular variant has not been reported in the literature, truncating variants in DMD are known to be pathogenic (PMID: 25007885). This variant has been reported in the DMD Leiden Open-source Variation Database (PMID: 21520333).

Literature cited by the submitters: PubMed 25007885 (cited by Labcorp Genetics (formerly Invitae), Labcorp); PubMed 21520333 (cited by Labcorp Genetics (formerly Invitae), Labcorp).